The following is an entry in ClinVar:

NM_001111.5(ADAR):c.2180del (p.Pro727fs)

Gene: ADAR (adenosine deaminase RNA specific; minus strand). Cytogenetic location: 1q21.3.
Variant type: Deletion.
Coding change: c.2180del on transcript NM_001111.5 (MANE Select); coding-DNA position 2180, one base deleted (C; older notation c.2180delC).
Protein change: p.Pro727fs; shifts the reading frame from proline 727.
Molecular consequence: frameshift variant.
Genome position (GRCh38, 1-based): chr1:154,596,895, G deleted on the plus strand (C on the coding strand, the reverse complement: ADAR is on the minus strand); the first of 3 consecutive G bases (chr1:154,596,895-154,596,897); deleting any one gives the same sequence. VCF-style (leftmost placement, unchanged base first): chr1-154596894-AG-A. GRCh37 (hg19) VCF-style: chr1-154569370-AG-A.
Other names: c.1295del, p.Pro432fs (NM_001025107.3, NM_001193495.2, NM_001365046.1 and 3 more transcripts); c.2207del, p.Pro736fs (NM_001365045.1); c.2180del, p.Pro727fs (NM_015840.4); c.2123del, p.Pro708fs (NM_015841.4); short protein forms P708fs, P727fs, P736fs, P432fs.
Identifiers: ClinVar variation 817053 (VCV000817053.1), dbSNP rs1571089005, ClinGen allele CA915941444.
Genomic context (GRCh38, chr1:154,596,894, plus strand): 5'-GACCAACTTGAATTCAGCAGCAAAGCCATGGGAGCGGGCGTACTCCAAAAGGCCACCCAC[AG>A]GGTTGGTGTTCAGGTATCTCACGAGCTCGCCAATCTTCCTGACCTTGTTGGGCATCATGG-3'

ClinVar aggregate classification (germline): Pathogenic (1 of 4 stars; one submission).

Submission:

GeneDx
Classification: Pathogenic. Last evaluated: 2019-02-22. Review status: criteria provided, single submitter. Criteria: GeneDx Variant Classification (06012015). Collection method: clinical testing. Allele origin: germline. Affected: yes.
Comment: The c.2180delC variant causes a frameshift starting with codon Proline 727, changes this amino acid to a Leucine residue, and creates a premature Stop codon at position 66 of the new reading frame, denoted p.Pro727LeufsX66. This variant is predicted to cause loss of normal protein function either through protein truncation or nonsense-mediated mRNA decay. The c.2180delC variant is not observed in large population cohorts (Lek et al., 2016). We interpret c.2180delC as a pathogenic variant.